The following is an entry in ClinVar:

NM_022081.6(HPS4):c.-185A>G

Gene: HPS4 (HPS4 biogenesis of lysosomal organelles complex 3 subunit 2; minus strand). Cytogenetic location: 22q12.1.
Variant type: single nucleotide variant.
Coding change: c.-185A>G on transcript NM_022081.6 (MANE Select); 185 bases upstream of the start codon, A replaced by G.
Molecular consequence: 5 prime UTR variant. On other transcripts: non-coding transcript variant (7).
Genome position (GRCh38, 1-based): chr22:26,481,947, T>C on the plus strand (A>G on the coding strand, the complement: HPS4 is on the minus strand). VCF-style: chr22-26481947-T-C. GRCh37 (hg19) VCF-style: chr22-26877913-T-C.
Other names: c.-185A>G (NM_001349896.1, NM_001349898.2, NM_001349899.2 and 6 more transcripts).
Identifiers: ClinVar variation 341027 (VCV000341027.6), dbSNP rs188205202, ClinGen allele CA10645209.

ClinVar aggregate classification (germline): Likely benign. Review status: criteria provided, multiple submitters, no conflicts (2 of 4 stars). 2 submissions from 2 submitters: Likely benign (2). Last evaluated 2018-01-13.

Conditions:
Hermansky-Pudlak syndrome 4 (HPS4). Identifiers: Orphanet 231500, Orphanet 79430, MedGen C3484357, MONDO:0013556, OMIM 614073.

Allele frequency attached by ClinVar (database versions not stated): gnomAD exomes 0.00026; gnomAD 0.00149 and 0.00154; TOPMed 0.00169; 1000 Genomes Project 0.00240; 1000 Genomes Project 30x 0.00250.
gnomAD v4.1: 368 of 643,998 alleles (0.057%); highest among the groups gnomAD compares: African/African-American, 0.47%; no homozygotes.

Submissions (2):

Illumina Laboratory Services, Illumina
Classification: Likely benign for Hermansky-Pudlak syndrome 4. Last evaluated: 2018-01-13. Review status: criteria provided, single submitter. Criteria: ICSL Variant Classification Criteria 13 December 2019. Collection method: clinical testing. Allele origin: germline.
Comment: This variant was observed in the ICSL laboratory as part of a predisposition screen in an ostensibly healthy population. It had not been previously curated by ICSL or reported in the Human Gene Mutation Database (HGMD: prior to June 1st, 2018), and was therefore a candidate for classification through an automated scoring system. Utilizing variant allele frequency, disease prevalence and penetrance estimates, and inheritance mode, an automated score was calculated to assess if this variant is too frequent to cause the disease. Based on the score and internal cut-off values, a variant classified as likely benign is not then subjected to further curation. The score for this variant resulted in a classification of likely benign for this disease.

Breakthrough Genomics
Classification: Likely benign. Review status: criteria provided, single submitter. Criteria: ACMG Guidelines, 2015. Collection method: not provided. Allele origin: germline. Inheritance: Autosomal recessive inheritance. Affected: yes.